The following is an entry in ClinVar:

ClinVar aggregate classification (germline): Uncertain significance (1 of 4 stars; one submission).

Allele frequency attached by ClinVar (database versions not stated): ExAC 0.00002; gnomAD exomes 0.00001; gnomAD 0.00001; ESP Exome Variant Server 0.00008.
gnomAD v4.1: 10 of 1,607,526 alleles (0.00062%); highest among the groups gnomAD compares: Admixed American, 0.01%; no homozygotes.

Submission:

Ambry Genetics
Classification: Uncertain significance. Last evaluated: 2025-04-30. Review status: criteria provided, single submitter. Criteria: Ambry Variant Classification Scheme 2023. Collection method: clinical testing. Allele origin: germline.
Comment: The p.T686P variant (also known as c.2056A>C), located in coding exon 11 of the PKP4 gene, results from an A to C substitution at nucleotide position 2056. The threonine at codon 686 is replaced by proline, an amino acid with highly similar properties. This amino acid position is conserved. In addition, the in silico prediction for this alteration is inconclusive. Since supporting evidence is limited at this time, the clinical significance of this alteration remains unclear.

NM_003628.6(PKP4):c.2056A>C (p.Thr686Pro)

Gene: PKP4 (plakophilin 4; plus strand). Cytogenetic location: 2q24.1.
Variant type: single nucleotide variant.
Coding change: c.2056A>C on transcript NM_003628.6 (MANE Select); coding-DNA position 2056, A replaced by C.
Protein change: p.Thr686Pro; replaces threonine 686 with proline.
Molecular consequence: missense variant.
Genome position (GRCh38, 1-based): chr2:158,658,277, A>C. VCF-style: chr2-158658277-A-C. GRCh37 (hg19) VCF-style: chr2-159514789-A-C.
Other names: c.2056A>C, p.Thr686Pro (NM_001005476.4, NM_001304971.2, NM_001377218.1 and 1 more transcripts); c.2053A>C, p.Thr685Pro (NM_001304969.3, NM_001377219.1, NM_001377220.1 and 2 more transcripts); c.1027A>C, p.Thr343Pro (NM_001304970.3); c.2050A>C, p.Thr684Pro (NM_001377222.1, NM_001377223.1); c.2047A>C, p.Thr683Pro (NM_001377224.1); short protein forms T685P, T683P, T686P, T343P, T684P.
Identifiers: ClinVar variation 1785129 (VCV001785129.3), dbSNP rs370015294, ClinGen allele CA1920863.